The following is an entry in ClinVar:

NM_152564.5(VPS13B):c.887A>G (p.Glu296Gly)

Gene: VPS13B (vacuolar protein sorting 13 homolog B; plus strand). Cytogenetic location: 8q22.2.
Variant type: single nucleotide variant.
Coding change: c.887A>G on transcript NM_152564.5 (MANE Select); coding-DNA position 887, A replaced by G.
Protein change: p.Glu296Gly; replaces glutamic acid 296 with glycine.
Molecular consequence: missense variant. On other transcripts: non-coding transcript variant (1).
Genome position (GRCh38, 1-based): chr8:99,115,824, A>G. VCF-style: chr8-99115824-A-G. GRCh37 (hg19) VCF-style: chr8-100128052-A-G.
Other names: c.887A>G, p.Glu296Gly (NM_015243.3, NM_017890.5, NM_181661.3); short protein forms E296G.
Identifiers: ClinVar variation 2126352 (VCV002126352.5), dbSNP rs1043484690, ClinGen allele CA182884749.

ClinVar aggregate classification (germline): Uncertain significance. Review status: criteria provided, single submitter (1 of 4 stars). 2 submissions from 2 submitters: Uncertain significance (1). 1 of the submissions does not count toward it. Last evaluated 2023-11-27.

Conditions:
VPS13B-related disorder. Also called: VPS13B-related condition.
Cohen syndrome (COH1). Also called: Cutis verticis gyrata, retinitis pigmentosa, and sensorineural deafness; PEPPER SYNDROME. Identifiers: Orphanet 193, MedGen C0265223, MONDO:0008999, OMIM 216550.

Allele frequency attached by ClinVar (database versions not stated): gnomAD 0.00001; TOPMed 0.00001.
gnomAD v4.1: 1 of 1,613,622 alleles (0.000062%); highest among the groups gnomAD compares: African/African-American, 0.0013%; no homozygotes.

Submissions (2):

Labcorp Genetics (formerly Invitae), Labcorp
Classification: Uncertain significance for Cohen syndrome. Last evaluated: 2023-11-27. Review status: criteria provided, single submitter. Criteria: Invitae Variant Classification Sherloc (09022015). Collection method: clinical testing. Allele origin: germline.
Comment: This sequence change replaces glutamic acid, which is acidic and polar, with glycine, which is neutral and non-polar, at codon 296 of the VPS13B protein (p.Glu296Gly). This variant is not present in population databases (gnomAD no frequency). This variant has not been reported in the literature in individuals affected with VPS13B-related conditions. ClinVar contains an entry for this variant (Variation ID: 2126352). Advanced modeling of protein sequence and biophysical properties (such as structural, functional, and spatial information, amino acid conservation, physicochemical variation, residue mobility, and thermodynamic stability) performed at Invitae indicates that this missense variant is expected to disrupt VPS13B protein function with a positive predictive value of 80%. In summary, the available evidence is currently insufficient to determine the role of this variant in disease. Therefore, it has been classified as a Variant of Uncertain Significance.

PreventionGenetics, part of Exact Sciences
Classification: Uncertain significance for VPS13B-related condition. Last evaluated: 2024-08-21. Review status: no assertion criteria provided. Collection method: clinical testing. Allele origin: germline. Not counted in ClinVar's aggregate classification.
Comment: The VPS13B c.887A>G variant is predicted to result in the amino acid substitution p.Glu296Gly. To our knowledge, this variant has not been reported in the literature or in a large population database, indicating this variant is rare. At this time, the clinical significance of this variant is uncertain due to the absence of conclusive functional and genetic evidence.